The following is an entry in ClinVar:

ClinVar aggregate classification (germline): Uncertain significance (1 of 4 stars; one submission).

Submission:

Ambry Genetics
Classification: Uncertain significance. Last evaluated: 2026-04-10. Review status: criteria provided, single submitter. Criteria: Ambry Variant Classification Scheme 2023. Collection method: clinical testing. Allele origin: germline.
Comment: The p.E1003D variant (also known as c.3009G>T), located in coding exon 11 of the WNK2 gene, results from a G to T substitution at nucleotide position 3009. The glutamic acid at codon 1003 is replaced by aspartic acid, an amino acid with highly similar properties. This amino acid position is conserved. In addition, this alteration is predicted to be tolerated by in silico analysis. Based on the available evidence, the clinical significance of this variant remains unclear.

NM_006648.4(WNK2):c.3009G>T (p.Glu1003Asp)

Gene: WNK2 (WNK lysine deficient protein kinase 2; plus strand). Cytogenetic location: 9q22.31.
Variant type: single nucleotide variant.
Coding change: c.3009G>T on transcript NM_006648.4 (MANE Select); coding-DNA position 3009, G replaced by T.
Protein change: p.Glu1003Asp; replaces glutamic acid 1003 with aspartic acid.
Molecular consequence: missense variant.
Genome position (GRCh38, 1-based): chr9:93,259,557, G>T. VCF-style: chr9-93259557-G-T. GRCh37 (hg19) VCF-style: chr9-96021839-G-T.
Other names: c.3009G>T, p.Glu1003Asp (NM_001282394.3); short protein forms E1003D.
Identifiers: ClinVar variation 4866575 (VCV004866575.1).